The following is an entry in ClinVar:

ClinVar aggregate classification (germline): Uncertain significance (0 of 4 stars; one submission).

Allele frequency attached by ClinVar (database versions not stated): gnomAD exomes below 0.00001; TOPMed below 0.00001.
gnomAD v4.1: 5 of 1,613,928 alleles (0.00031%); highest among the groups gnomAD compares: African/African-American, 0.0013%; no homozygotes.

Submission:

Department of Pathology and Laboratory Medicine, Sinai Health System
Classification: Uncertain significance. Review status: no assertion criteria provided. Collection method: clinical testing. Allele origin: unknown. Affected: yes. Study: The Canadian Open Genetics Repository (COGR).
Comment: The ASPN p.Arg365Cys variant was not identified in the literature nor was it identified in dbSNP, ClinVar, or LOVD 3.0. The variant was identified in Cosmic where the reported FATHMM prediction was pathogenic (score 0.99). The variant was also identified in control databases in 1 of 251268 chromosomes at a frequency of 0.000004 (Genome Aggregation Database Feb 27, 2017). The variant was observed in the Other population in 1 of 6128 chromosomes (freq: 0.000163), but not in the African, Latino, Ashkenazi Jewish, East Asian, European (Finnish), European (non-Finnish), and South Asian populations. The p.Arg365 residue is conserved in mammals but not in more distantly related organisms, and four out of five computational analyses (PolyPhen-2, SIFT, BLOSUM, MutationTaster, AlignGVGD) suggest that the variant may impact the protein; however, this information is not predictive enough to assume pathogenicity. The variant occurs outside of the splicing consensus sequence and in silico or computational prediction software programs (SpliceSiteFinder, MaxEntScan, NNSPLICE, GeneSplicer) do not predict a difference in splicing. In summary, based on the above information the clinical significance of this variant cannot be determined with certainty at this time. This variant is classified as a variant of uncertain significance.

NM_017680.6(ASPN):c.1090C>T (p.Arg364Cys)

Genes: ASPN (asporin; minus strand), CENPP (centromere protein P; plus strand). Cytogenetic location: 9q22.31.
Variant type: single nucleotide variant.
Coding change: c.1090C>T on transcript NM_017680.6 (MANE Select); coding-DNA position 1090, C replaced by T.
Protein change: p.Arg364Cys; replaces arginine 364 with cysteine.
Molecular consequence: missense variant. On other transcripts: 3 prime UTR variant (1), intron variant (2).
Genome position (GRCh38, 1-based): chr9:92,457,338, G>A on the plus strand (C>T on the coding strand, the complement: ASPN is on the minus strand). VCF-style: chr9-92457338-G-A. GRCh37 (hg19) VCF-style: chr9-95219620-G-A.
Other names: c.*128C>T (NM_001193335.3); c.228+77479G>A (NM_001286969.1); c.564+77479G>A (NM_001012267.3); short protein forms R364C.
Identifiers: ClinVar variation 1049559 (VCV001049559.3), dbSNP rs1564330399, ClinGen allele CA373828463.